The following is an entry in ClinVar:

ClinVar aggregate classification (germline): Uncertain significance (1 of 4 stars; one submission).

Conditions:
Progressive microcephaly-seizures-cortical blindness-developmental delay syndrome. Also called: Seizures, cortical blindness, and microcephaly syndrome. Identifiers: Orphanet 477814, MedGen C5567650, MONDO:0014714, OMIM 616632.
Autosomal dominant nonsyndromic hearing loss 1. Also called: DEAFNESS, AUTOSOMAL DOMINANT 1, WITH OR WITHOUT THROMBOCYTOPENIA; KONIGSMARK SYNDROME. Identifiers: Orphanet 90635, MedGen C1852282, MONDO:0007424, OMIM 124900.

Submission:

Labcorp Genetics (formerly Invitae), Labcorp
Classification: Uncertain significance for Progressive microcephaly-seizures-cortical blindness-developmental delay syndrome; Autosomal dominant nonsyndromic hearing loss 1. Last evaluated: 2024-05-27. Review status: criteria provided, single submitter. Criteria: Invitae Variant Classification Sherloc (09022015). Collection method: clinical testing. Allele origin: germline.
Comment: This sequence change replaces aspartic acid, which is acidic and polar, with glutamic acid, which is acidic and polar, at codon 1039 of the DIAPH1 protein (p.Asp1039Glu). This variant is not present in population databases (gnomAD no frequency). This variant has not been reported in the literature in individuals affected with DIAPH1-related conditions. An algorithm developed to predict the effect of missense changes on protein structure and function (PolyPhen-2) suggests that this variant is likely to be tolerated. In summary, the available evidence is currently insufficient to determine the role of this variant in disease. Therefore, it has been classified as a Variant of Uncertain Significance.

NM_005219.5(DIAPH1):c.3117C>G (p.Asp1039Glu)

Gene: DIAPH1 (diaphanous related formin 1; minus strand). Cytogenetic location: 5q31.3.
Variant type: single nucleotide variant.
Coding change: c.3117C>G on transcript NM_005219.5 (MANE Select); coding-DNA position 3117, C replaced by G.
Protein change: p.Asp1039Glu; replaces aspartic acid 1039 with glutamic acid.
Molecular consequence: missense variant.
Genome position (GRCh38, 1-based): chr5:141,528,484, G>C on the plus strand (C>G on the coding strand, the complement: DIAPH1 is on the minus strand). VCF-style: chr5-141528484-G-C. GRCh37 (hg19) VCF-style: chr5-140908051-G-C.
Other names: c.3090C>G, p.Asp1030Glu (NM_001079812.3); c.3117C>G, p.Asp1039Glu (NM_001314007.2); short protein forms D1030E, D1039E.
Identifiers: ClinVar variation 3762455 (VCV003762455.2).